The following is an entry in ClinVar:

NM_000180.4(GUCY2D):c.787G>C (p.Ala263Pro)

Gene: GUCY2D (guanylate cyclase 2D, retinal; plus strand). Cytogenetic location: 17p13.1.
Variant type: single nucleotide variant.
Coding change: c.787G>C on transcript NM_000180.4 (MANE Select); coding-DNA position 787, G replaced by C.
Protein change: p.Ala263Pro; replaces alanine 263 with proline.
Molecular consequence: missense variant.
Genome position (GRCh38, 1-based): chr17:8,003,917, G>C. VCF-style: chr17-8003917-G-C. GRCh37 (hg19) VCF-style: chr17-7907235-G-C.
Other names: short protein forms A263P.
Identifiers: ClinVar variation 2114754 (VCV002114754.4), dbSNP rs745444949, ClinGen allele CA397945159.

ClinVar aggregate classification (germline): Uncertain significance (1 of 4 stars; one submission).

Conditions:
Cone-rod dystrophy 6 (CORD6). Also called: RETINAL CONE DYSTROPHY 2; Cone dystrophy progressive. Identifiers: Orphanet 1872, MedGen C1866293, MONDO:0011143, OMIM 601777.
Leber congenital amaurosis 1 (LCA1). Also called: RETINAL BLINDNESS, CONGENITAL; AMAUROSIS CONGENITA OF LEBER I; Congenital absence of the rods and cones; Leber's congenital tapetoretinal degeneration; Leber's congenital tapetoretinal dysplasia. Identifiers: Orphanet 65, MedGen C2931258, MONDO:0008764, OMIM 204000.

Submission:

Labcorp Genetics (formerly Invitae), Labcorp
Classification: Uncertain significance for Leber congenital amaurosis 1; Cone-rod dystrophy 6. Last evaluated: 2022-07-02. Review status: criteria provided, single submitter. Criteria: Invitae Variant Classification Sherloc (09022015). Collection method: clinical testing. Allele origin: germline.
Comment: This variant is not present in population databases (gnomAD no frequency). This sequence change replaces alanine, which is neutral and non-polar, with proline, which is neutral and non-polar, at codon 263 of the GUCY2D protein (p.Ala263Pro). This variant has not been reported in the literature in individuals affected with GUCY2D-related conditions. Algorithms developed to predict the effect of missense changes on protein structure and function (SIFT, PolyPhen-2, Align-GVGD) all suggest that this variant is likely to be disruptive. In summary, the available evidence is currently insufficient to determine the role of this variant in disease. Therefore, it has been classified as a Variant of Uncertain Significance.